The following is an entry in ClinVar:

ClinVar aggregate classification (germline): Likely pathogenic (1 of 4 stars; one submission).

Conditions:
Congenital prothrombin deficiency. Also called: Hereditary factor II deficiency disease; Factor II deficiency; Inherited hypoprothrombinemia; Congenital factor II deficiency; Inherited prothrombin deficiency; HYPOPROTHROMBINEMIA. Identifiers: Orphanet 325, MedGen C0272317, MONDO:0013361, OMIM 613679.

Submission:

Labcorp Genetics (formerly Invitae), Labcorp
Classification: Likely pathogenic for Congenital prothrombin deficiency. Last evaluated: 2024-07-31. Review status: criteria provided, single submitter. Criteria: Invitae Variant Classification Sherloc (09022015). Collection method: clinical testing. Allele origin: germline.
Comment: This sequence change creates a premature translational stop signal (p.Gln584*) in the F2 gene. While this is not anticipated to result in nonsense mediated decay, it is expected to disrupt the last 39 amino acid(s) of the F2 protein. This variant is present in population databases (no rsID available, gnomAD 0.009%). This premature translational stop signal has been observed in individual(s) with clinical features of F2-related conditions (PMID: 8839854). Algorithms developed to predict the effect of sequence changes on RNA splicing suggest that this variant may disrupt the consensus splice site. This variant disrupts the C-terminus of the F2 protein. Other variant(s) that disrupt this region (p.Q584*, p.His605Argfs*13, p.W612*) have been observed in individuals with F2-related conditions (PMID: 8839854, 9890721, 33977210). This suggests that this may be a clinically significant region of the protein. In summary, the currently available evidence indicates that the variant is pathogenic, but additional data are needed to prove that conclusively. Therefore, this variant has been classified as Likely Pathogenic.

Literature cited by the submitters: PubMed 8839854; PubMed 9890721; PubMed 33977210.

NM_000506.5(F2):c.1750C>T (p.Gln584Ter)

Gene: F2 (coagulation factor II, thrombin; plus strand). Cytogenetic location: 11p11.2.
Variant type: single nucleotide variant.
Coding change: c.1750C>T on transcript NM_000506.5 (MANE Select); coding-DNA position 1750, C replaced by T.
Protein change: p.Gln584Ter; replaces glutamine 584 with a stop codon.
Molecular consequence: nonsense.
Genome position (GRCh38, 1-based): chr11:46,739,289, C>T. VCF-style: chr11-46739289-C-T. GRCh37 (hg19) VCF-style: chr11-46760839-C-T.
Other names: short protein forms Q584*.
Identifiers: ClinVar variation 3721021 (VCV003721021.2), dbSNP rs1401703940.
Genomic context (GRCh38, chr11:46,739,289, plus strand): 5'-CTTGACTCTATTGGAAACCTCATCTTTCTTCTTCAGAGCCCCTTTAACAACCGCTGGTAT[C>T]AAATGGGCATCGTCTCATGGGGTGAAGGCTGTGACCGGGATGGGAAATATGGCTTCTACA-3'